The following is an entry in ClinVar:

NM_013266.4(CTNNA3):c.1523C>A (p.Ala508Asp)

Gene: CTNNA3 (catenin alpha 3; minus strand). Cytogenetic location: 10q21.3.
Variant type: single nucleotide variant.
Coding change: c.1523C>A on transcript NM_013266.4 (MANE Select); coding-DNA position 1523, C replaced by A.
Protein change: p.Ala508Asp; replaces alanine 508 with aspartic acid.
Molecular consequence: missense variant.
Genome position (GRCh38, 1-based): chr10:66,520,625, G>T on the plus strand (C>A on the coding strand, the complement: CTNNA3 is on the minus strand). VCF-style: chr10-66520625-G-T. GRCh37 (hg19) VCF-style: chr10-68280383-G-T.
Other names: c.1523C>A, p.Ala508Asp (NM_001127384.3); c.1523C>A (NM_013266.2); short protein forms A508D.
Identifiers: ClinVar variation 2177886 (VCV002177886.8), dbSNP rs777334704, ClinGen allele CA5519931.

ClinVar aggregate classification (germline): Uncertain significance. Review status: criteria provided, multiple submitters, no conflicts (2 of 4 stars). 3 submissions from 3 submitters: Uncertain significance (3). Last evaluated 2025-10-14.

Conditions:
Arrhythmogenic right ventricular dysplasia 13. Also called: ARRHYTHMOGENIC RIGHT VENTRICULAR CARDIOMYOPATHY 13; Arrhythmogenic right ventricular dysplasia, familial, 13. Identifiers: MedGen C3810138, MONDO:0000908, OMIM 615616.

Allele frequency attached by ClinVar (database versions not stated): ExAC 0.00001; gnomAD 0.00001; gnomAD exomes 0.00001; TOPMed 0.00002.
gnomAD v4.1: 22 of 1,603,694 alleles (0.0014%); highest among the groups gnomAD compares: Non-Finnish European, 0.0019%; no homozygotes.

Submissions (3):

Labcorp Genetics (formerly Invitae), Labcorp
Classification: Uncertain significance for Arrhythmogenic right ventricular dysplasia 13. Last evaluated: 2025-10-14. Review status: criteria provided, single submitter. Criteria: Invitae Variant Classification Sherloc (09022015). Collection method: clinical testing. Allele origin: germline.
Comment: This sequence change replaces alanine, which is neutral and non-polar, with aspartic acid, which is acidic and polar, at codon 508 of the CTNNA3 protein (p.Ala508Asp). This variant is present in population databases (rs777334704, gnomAD 0.004%). This variant has not been reported in the literature in individuals affected with CTNNA3-related conditions. ClinVar contains an entry for this variant (Variation ID: 2177886). Invitae Evidence Modeling of protein sequence and biophysical properties (such as structural, functional, and spatial information, amino acid conservation, physicochemical variation, residue mobility, and thermodynamic stability) indicates that this missense variant is not expected to disrupt CTNNA3 protein function with a negative predictive value of 80%. In summary, the available evidence is currently insufficient to determine the role of this variant in disease. Therefore, it has been classified as a Variant of Uncertain Significance.

Ambry Genetics
Classification: Uncertain significance. Last evaluated: 2025-05-03. Review status: criteria provided, single submitter. Criteria: Ambry Variant Classification Scheme 2023. Collection method: clinical testing. Allele origin: germline.
Comment: The p.A508D variant (also known as c.1523C>A), located in coding exon 10 of the CTNNA3 gene, results from a C to A substitution at nucleotide position 1523. The alanine at codon 508 is replaced by aspartic acid, an amino acid with dissimilar properties. This amino acid position is conserved. In addition, this alteration is predicted to be tolerated by in silico analysis. Since supporting evidence is limited at this time, the clinical significance of this alteration remains unclear.

Blueprint Genetics
Classification: Uncertain significance. Last evaluated: 2024-10-04. Review status: criteria provided, single submitter. Criteria: ACMG Guidelines, 2015. Collection method: clinical testing. Allele origin: germline.